The following is an entry in ClinVar:

ClinVar aggregate classification (germline): Uncertain significance (1 of 4 stars; one submission).

Conditions:
Spermatogenic failure 18. Identifiers: MedGen C4539783, MONDO:0054615, OMIM 617576.
Ciliary dyskinesia, primary, 37 (CILD37). Also called: CILIARY DYSKINESIA, PRIMARY, 37, WITH OR WITHOUT SITUS INVERSUS. Identifiers: MedGen C4539798, MONDO:0033204, OMIM 617577.

Allele frequency attached by ClinVar (database versions not stated): gnomAD exomes 0.00001; ExAC 0.00003; gnomAD 0.00006; TOPMed 0.00009; ESP Exome Variant Server 0.00016.
gnomAD v4.1: 13 of 1,611,616 alleles (0.00081%); highest among the groups gnomAD compares: African/African-American, 0.017%; no homozygotes.

Submission:

Labcorp Genetics (formerly Invitae), Labcorp
Classification: Uncertain significance for Ciliary dyskinesia, primary, 37; Spermatogenic failure 18. Last evaluated: 2023-03-01. Review status: criteria provided, single submitter. Criteria: Invitae Variant Classification Sherloc (09022015). Collection method: clinical testing. Allele origin: germline.
Comment: An algorithm developed to predict the effect of missense changes on protein structure and function (PolyPhen-2) suggests that this variant is likely to be tolerated. In summary, the available evidence is currently insufficient to determine the role of this variant in disease. Therefore, it has been classified as a Variant of Uncertain Significance. This sequence change replaces valine, which is neutral and non-polar, with leucine, which is neutral and non-polar, at codon 2876 of the DNAH1 protein (p.Val2876Leu). This variant is present in population databases (rs370590716, gnomAD 0.03%). This variant has not been reported in the literature in individuals affected with DNAH1-related conditions.

NM_015512.5(DNAH1):c.8626G>C (p.Val2876Leu)

Gene: DNAH1 (dynein axonemal heavy chain 1; plus strand). Cytogenetic location: 3p21.1.
Variant type: single nucleotide variant.
Coding change: c.8626G>C on transcript NM_015512.5 (MANE Select); coding-DNA position 8626, G replaced by C.
Protein change: p.Val2876Leu; replaces valine 2876 with leucine.
Molecular consequence: missense variant.
Genome position (GRCh38, 1-based): chr3:52,386,160, G>C. VCF-style: chr3-52386160-G-C. GRCh37 (hg19) VCF-style: chr3-52420176-G-C.
Other names: short protein forms V2876L.
Identifiers: ClinVar variation 2944365 (VCV002944365.3), dbSNP rs370590716, ClinGen allele CA2435274.